The following is an entry in ClinVar:

NM_182961.4(SYNE1):c.8973G>A (p.Thr2991=)

Genes: SYNE1 (spectrin repeat containing nuclear envelope protein 1; minus strand), SYNE1-AS1 (SYNE1 antisense RNA 1; plus strand). Cytogenetic location: 6q25.2.
Variant type: single nucleotide variant.
Coding change: c.8973G>A on transcript NM_182961.4 (MANE Select); coding-DNA position 8973, G replaced by A.
Protein change: p.Thr2991=; no amino-acid change (threonine 2991 retained).
Molecular consequence: synonymous variant.
Genome position (GRCh38, 1-based): chr6:152,381,042, C>T on the plus strand (G>A on the coding strand, the complement: SYNE1 is on the minus strand). VCF-style: chr6-152381042-C-T. GRCh37 (hg19) VCF-style: chr6-152702177-C-T.
Other names: c.8994G>A, p.Thr2998= (NM_033071.5).
Identifiers: ClinVar variation 283674 (VCV000283674.56), dbSNP rs146424389, ClinGen allele CA4057432.

ClinVar aggregate classification (germline): Conflicting classifications of pathogenicity. Review status: criteria provided, conflicting classifications (1 of 4 stars). 11 submissions from 10 submitters: Uncertain significance (2); Benign (3); Likely benign (5). 1 of the submissions does not count toward it. Last evaluated 2026-07-01.

Conditions:
SYNE1-related disorder. Also called: SYNE1-related disorders; SYNE1-related disease; SYNE1-related condition.
Autosomal recessive ataxia, Beauce type. Also called: ATAXIA, RECESSIVE, OF BEAUCE; SYNE1-Related Autosomal Recessive Cerebellar Ataxia; Spinocerebellar ataxia, autosomal recessive 8; SYNE1 Deficiency. Identifiers: Orphanet 88644, MedGen C1853116, MONDO:0012549, OMIM 610743.
Emery-Dreifuss muscular dystrophy 4, autosomal dominant (EDMD4). Also called: EMERY-DREIFUSS MUSCULAR DYSTROPHY 4 WITH VARIABLE FEATURES. Identifiers: Orphanet 261, MedGen C2751807, MONDO:0013071, OMIM 612998.

Allele frequency attached by ClinVar (database versions not stated): 1000 Genomes Project 0.00100; 1000 Genomes Project 30x 0.00109; gnomAD 0.00116 and 0.00118; ExAC 0.00133; TOPMed 0.00153; ESP Exome Variant Server 0.00192.
gnomAD v4.1: 2,891 of 1,614,108 alleles (0.18%); highest among the groups gnomAD compares: Non-Finnish European, 0.22%; 9 homozygotes.

Submissions (11):

CeGaT Center for Human Genetics Tuebingen
Classification: Likely benign. Last evaluated: 2026-07-01. Review status: criteria provided, single submitter. Criteria: CeGaT Center For Human Genetics Tuebingen Variant Classification Criteria Version 2. Collection method: clinical testing. Allele origin: germline. Affected: yes. Observed: 7 variant alleles.
Comment: SYNE1: BP4, BP7

Labcorp Genetics (formerly Invitae), Labcorp
Classification: Likely benign for Emery-Dreifuss muscular dystrophy 4, autosomal dominant; Autosomal recessive ataxia, Beauce type. Last evaluated: 2026-01-15. Review status: criteria provided, single submitter. Criteria: Invitae Variant Classification Sherloc (09022015). Collection method: clinical testing. Allele origin: germline.

Women's Health and Genetics/Laboratory Corporation of America, LabCorp
Classification: Benign. Last evaluated: 2025-09-26. Review status: criteria provided, single submitter. Criteria: LabCorp Variant Classification Summary - May 2015. Collection method: clinical testing. Allele origin: germline.

Blueprint Genetics
Classification: Likely benign. Last evaluated: 2024-11-25. Review status: criteria provided, single submitter. Criteria: ACMG Guidelines, 2015. Collection method: clinical testing. Allele origin: germline.

GeneDx
Classification: Likely benign. Last evaluated: 2021-01-12. Review status: criteria provided, single submitter. Criteria: GeneDx Variant Classification Process June 2021. Collection method: clinical testing. Allele origin: germline. Affected: yes.

Athena Diagnostics
Classification: Benign. Last evaluated: 2018-09-18. Review status: criteria provided, single submitter. Criteria: Athena Diagnostics Criteria. Collection method: clinical testing. Allele origin: germline.

Eurofins Ntd Llc (ga)
Classification: Uncertain significance. Last evaluated: 2018-08-10. Review status: criteria provided, single submitter. Criteria: EGL ClinVar v180209 classification definitions. Collection method: clinical testing. Allele origin: germline. Observed: 20 variant alleles, 20 heterozygotes.

Illumina Laboratory Services, Illumina
Classification: Benign for Emery-Dreifuss muscular dystrophy 4, autosomal dominant. Last evaluated: 2018-01-13. Review status: criteria provided, single submitter. Criteria: ICSL Variant Classification Criteria 13 December 2019. Collection method: clinical testing. Allele origin: germline.
Comment: This variant was observed in the ICSL laboratory as part of a predisposition screen in an ostensibly healthy population. It had not been previously curated by ICSL or reported in the Human Gene Mutation Database (HGMD: prior to June 1st, 2018), and was therefore a candidate for classification through an automated scoring system. Utilizing variant allele frequency, disease prevalence and penetrance estimates, and inheritance mode, an automated score was calculated to assess if this variant is too frequent to cause the disease. Based on the score and internal cut-off values, a variant classified as benign is not then subjected to further curation. The score for this variant resulted in a classification of benign for this disease.

Illumina Laboratory Services, Illumina
Classification: Uncertain significance for Autosomal recessive ataxia, Beauce type. Last evaluated: 2018-01-13. Review status: criteria provided, single submitter. Criteria: ICSL Variant Classification Criteria 13 December 2019. Collection method: clinical testing. Allele origin: germline.

Genetic Services Laboratory, University of Chicago
Classification: Likely benign. Last evaluated: 2016-10-05. Review status: criteria provided, single submitter. Criteria: ACMG Guidelines, 2015. Collection method: clinical testing. Allele origin: germline. Affected: no.

PreventionGenetics, part of Exact Sciences
Classification: Likely benign for SYNE1-related condition. Last evaluated: 2019-03-08. Review status: no assertion criteria provided. Collection method: clinical testing. Allele origin: germline. Not counted in ClinVar's aggregate classification.
Comment: This variant is classified as likely benign based on ACMG/AMP sequence variant interpretation guidelines (Richards et al. 2015 PMID: 25741868, with internal and published modifications).